The following is an entry in ClinVar:

ClinVar aggregate classification (germline): Pathogenic (1 of 4 stars; one submission).

Submission:

Labcorp Genetics (formerly Invitae), Labcorp
Classification: Pathogenic. Last evaluated: 2024-02-06. Review status: criteria provided, single submitter. Criteria: Invitae Variant Classification Sherloc (09022015). Collection method: clinical testing. Allele origin: germline.
Comment: This sequence change creates a premature translational stop signal (p.Asp1156Glufs*2) in the TTC37 gene. It is expected to result in an absent or disrupted protein product. Loss-of-function variants in TTC37 are known to be pathogenic (PMID: 20176027, 21120949). This variant is not present in population databases (gnomAD no frequency). This variant has not been reported in the literature in individuals affected with TTC37-related conditions. For these reasons, this variant has been classified as Pathogenic.

Literature cited by the submitters: PubMed 20176027; PubMed 21120949.

NM_014639.4(SKIC3):c.3468_3469del (p.Asp1156fs)

Gene: SKIC3 (SKI3 subunit of superkiller complex; minus strand). Cytogenetic location: 5q15.
Variant type: Deletion.
Coding change: c.3468_3469del on transcript NM_014639.4 (MANE Select); coding-DNA positions 3468 to 3469, 2 bases deleted (CA; older notation c.3468_3469delCA).
Protein change: p.Asp1156fs; shifts the reading frame from aspartic acid 1156.
Molecular consequence: frameshift variant.
Genome position (GRCh38, 1-based): chr5:95,498,464-95,498,465, TG deleted on the plus strand (CA on the coding strand, the reverse complement: SKIC3 is on the minus strand); deleting any 2 consecutive bases within chr5:95,498,464-95,498,466 gives the same sequence; the c. name uses the placement nearest the transcript's 3' end. VCF-style (leftmost placement, unchanged base first): chr5-95498463-CTG-C. GRCh37 (hg19) VCF-style: chr5-94834167-CTG-C.
Other names: short protein forms D1156fs.
Identifiers: ClinVar variation 3716190 (VCV003716190.2).
Genomic context (GRCh38, chr5:95,498,463, plus strand): 5'-GCCACACTGCGGCCTTGGAGTGCATAAATCGCTGATGTAAGAAGGCACCTCTGATAATTA[CTG>C]TCTTTGTGTTTGATGTGCTTCAGTAACTCATTAAGTGCTGCTTTTGACAGTGTAGCATCC-3'